The following is an entry in ClinVar:

NM_006531.5(IFT88):c.572T>C (p.Ile191Thr)

Gene: IFT88 (intraflagellar transport 88; plus strand). Cytogenetic location: 13q12.11.
Variant type: single nucleotide variant.
Coding change: c.572T>C on transcript NM_006531.5 (MANE Select); coding-DNA position 572, T replaced by C.
Protein change: p.Ile191Thr; replaces isoleucine 191 with threonine.
Molecular consequence: missense variant. On other transcripts: 5 prime UTR variant (1), non-coding transcript variant (5).
Genome position (GRCh38, 1-based): chr13:20,597,097, T>C. VCF-style: chr13-20597097-T-C. GRCh37 (hg19) VCF-style: chr13-21171236-T-C.
Other names: c.515T>C, p.Ile172Thr (NM_001318491.2, NM_001353573.2, NM_001353574.2 and 1 more transcripts); c.599T>C, p.Ile200Thr (NM_001318493.2, NM_001353565.2, NM_001353566.2 and 6 more transcripts); c.572T>C, p.Ile191Thr (NM_001353568.2, NM_001353571.2, NM_001353572.2 and 1 more transcripts); c.-62T>C (NM_001353579.2); short protein forms I200T, I172T, I191T.
Identifiers: ClinVar variation 3712542 (VCV003712542.2).
Genomic context (GRCh38, chr13:20,597,097, plus strand): 5'-CAGGAAGAAAAGAGAGAGTCCTGGTGAGACAGCGAGAACAAGTTACAACTCCAGAAAATA[T>C]CAATTTGGATTTAACTTACTCAGTAAGTATTGAAATATAACACAATTTTTAAATAAAATT-3'
Protein context (NP_006522.2, residues 181-201): QREQVTTPEN[Ile191Thr]NLDLTYSVLF

ClinVar aggregate classification (germline): Uncertain significance (1 of 4 stars; one submission).

gnomAD v4.1: 8 of 1,593,450 alleles (0.0005%); highest among the groups gnomAD compares: South Asian, 0.0011%; no homozygotes.

Submission:

Labcorp Genetics (formerly Invitae), Labcorp
Classification: Uncertain significance. Last evaluated: 2024-10-17. Review status: criteria provided, single submitter. Criteria: Invitae Variant Classification Sherloc (09022015). Collection method: clinical testing. Allele origin: germline.
Comment: This sequence change replaces isoleucine, which is neutral and non-polar, with threonine, which is neutral and polar, at codon 200 of the IFT88 protein (p.Ile200Thr). This variant is present in population databases (rs763645388, gnomAD 0.001%). This variant has not been reported in the literature in individuals affected with IFT88-related conditions. An algorithm developed to predict the effect of missense changes on protein structure and function (PolyPhen-2) suggests that this variant is likely to be tolerated. In summary, the available evidence is currently insufficient to determine the role of this variant in disease. Therefore, it has been classified as a Variant of Uncertain Significance.